The following is an entry in ClinVar:

NM_000238.4(KCNH2):c.812_813del (p.Arg271fs)

Gene: KCNH2 (potassium voltage-gated channel subfamily H member 2; minus strand). Cytogenetic location: 7q36.1.
Variant type: Microsatellite.
Coding change: c.812_813del on transcript NM_000238.4 (MANE Select); coding-DNA positions 812 to 813, 2 bases deleted (GC; older notation c.812_813delGC).
Protein change: p.Arg271fs; shifts the reading frame from arginine 271.
Molecular consequence: frameshift variant.
Genome position (GRCh38, 1-based): chr7:150,958,162-150,958,163, GC deleted on the plus strand (GC on the coding strand, the reverse complement: KCNH2 is on the minus strand); deleting any 2 consecutive bases within chr7:150,958,162-150,958,166 gives the same sequence; the c. name uses the placement nearest the transcript's 3' end. VCF-style (leftmost placement, unchanged base first): chr7-150958161-AGC-A. GRCh37 (hg19) VCF-style: chr7-150655249-AGC-A.
Other names: c.809_810CG[1], p.Arg271Leufs (NM_000238.3, NM_172056.3); c.521_522CG[1], p.Arg175Leufs (NM_001406753.1, NM_001406756.1); c.632_633CG[1], p.Arg212Leufs (NM_001406755.1); c.509_510CG[1], p.Arg171Leufs (NM_001406757.1); c.812_813del (NM_000238.3); short protein forms R271fs.
Identifiers: ClinVar variation 960485 (VCV000960485.9), dbSNP rs1801442718, ClinGen allele CA1752417986.
Genomic context (GRCh38, chr7:150,958,161, plus strand): 5'-GCATGGCCTCGATGTCGTCGGCCGACGAGGCGCGGCGCACGCTGGCGCAGCTTTCTCGGG[AGC>A]GCGTCCGGGCCAGGCTGCAGCTGGAGCCCGAGGCGTCGGGGTTGAGGCTGTGCGCCCGGG-3'

ClinVar aggregate classification (germline): Pathogenic (1 of 4 stars; one submission).

Conditions:
Long QT syndrome (LQTS). Identifiers: MedGen C0023976, MeSH D008133, MONDO:0002442. Disease mechanism: loss of function. Inheritance: Various modes of inheritance.

Submission:

Labcorp Genetics (formerly Invitae), Labcorp
Classification: Pathogenic for Long QT syndrome. Last evaluated: 2023-11-09. Review status: criteria provided, single submitter. Criteria: Invitae Variant Classification Sherloc (09022015). Collection method: clinical testing. Allele origin: germline.
Comment: This sequence change creates a premature translational stop signal (p.Arg271Leufs*60) in the KCNH2 gene. It is expected to result in an absent or disrupted protein product. Loss-of-function variants in KCNH2 are known to be pathogenic (PMID: 10973849, 19862833). This variant is not present in population databases (gnomAD no frequency). This variant has not been reported in the literature in individuals affected with KCNH2-related conditions. ClinVar contains an entry for this variant (Variation ID: 960485). For these reasons, this variant has been classified as Pathogenic.

Literature cited by the submitters: PubMed 10973849; PubMed 19862833.